The following is an entry in ClinVar:

ClinVar aggregate classification (germline): Pathogenic (1 of 4 stars; one submission).

Submission:

Labcorp Genetics (formerly Invitae), Labcorp
Classification: Pathogenic. Last evaluated: 2021-02-25. Review status: criteria provided, single submitter. Criteria: Invitae Variant Classification Sherloc (09022015). Collection method: clinical testing. Allele origin: germline.
Comment: This variant has not been reported in the literature in individuals with TSFM-related conditions. This variant is a gross deletion of the genomic region encompassing exon(s) 1-6 of the TSFM gene, which includes the initiator codon. The 5' end of this event is unknown as it extends beyond the assayed region for this gene and therefore may encompass additional genes. The 3' boundary is likely confined to intron 6 of the TSFM gene. It is expected to result in an absent or disrupted protein product. Loss-of-function variants in TSFM are known to be pathogenic (PMID: 17033963, 20435138, 25037205, 27677415). For these reasons, this variant has been classified as Pathogenic.

Literature cited by the submitters: PubMed 17033963; PubMed 20435138; PubMed 25037205; PubMed 27677415.

NC_000012.11:g.(?_58176575)_(58186866_?)del

Gene: TSFM (Ts translation elongation factor, mitochondrial; plus strand). Cytogenetic location: 12q14.1.
Variant type: Deletion.
Identifiers: ClinVar variation 1071017 (VCV001071017.5).